The following is an entry in ClinVar:

NM_000540.3(RYR1):c.2557T>A (p.Cys853Ser)

Gene: RYR1 (ryanodine receptor 1; plus strand). Cytogenetic location: 19q13.2.
Variant type: single nucleotide variant.
Coding change: c.2557T>A on transcript NM_000540.3 (MANE Select); coding-DNA position 2557, T replaced by A.
Protein change: p.Cys853Ser; replaces cysteine 853 with serine.
Molecular consequence: missense variant.
Genome position (GRCh38, 1-based): chr19:38,460,571, T>A. VCF-style: chr19-38460571-T-A. GRCh37 (hg19) VCF-style: chr19-38951211-T-A.
Other names: c.2557T>A, p.Cys853Ser (NM_001042723.2); short protein forms C853S.
Identifiers: ClinVar variation 5028631 (VCV005028631.1).

ClinVar aggregate classification (germline): Uncertain significance (1 of 4 stars; one submission).

Conditions:
Inborn genetic diseases. Identifiers: MedGen C0950123, MeSH D030342.

gnomAD v4.1: 2 of 1,612,808 alleles (0.00012%); highest among the groups gnomAD compares: East Asian, 0.0045%; no homozygotes.

Submission:

Ambry Genetics
Classification: Uncertain significance for Inborn genetic diseases. Last evaluated: 2026-07-06. Review status: criteria provided, single submitter. Criteria: Ambry Variant Classification Scheme 2023. Collection method: clinical testing. Allele origin: germline.
Comment: The p.C853S variant (also known as c.2557T>A), located in coding exon 20 of the RYR1 gene, results from a T to A substitution at nucleotide position 2557. The cysteine at codon 853 is replaced by serine, an amino acid with dissimilar properties. This amino acid position is conserved. In addition, the in silico prediction for this alteration is inconclusive. Based on the available evidence, the clinical significance of this variant remains unclear.